The following is an entry in ClinVar:

ClinVar aggregate classification (germline): Uncertain significance (1 of 4 stars; one submission).

Conditions:
Early-infantile DEE. Also called: Early infantile epileptic encephalopathy; Ohtahara syndrome; Early infantile epileptic encephalopathy with suppression bursts. Identifiers: Orphanet 1934, MedGen C0393706, MONDO:0800491.

Submission:

Labcorp Genetics (formerly Invitae), Labcorp
Classification: Uncertain significance for Early-infantile DEE. Last evaluated: 2022-03-23. Review status: criteria provided, single submitter. Criteria: Invitae Variant Classification Sherloc (09022015). Collection method: clinical testing. Allele origin: germline.
Comment: This sequence change replaces aspartic acid, which is acidic and polar, with glycine, which is neutral and non-polar, at codon 1256 of the SCN1A protein (p.Asp1256Gly). This variant is not present in population databases (gnomAD no frequency). In summary, the available evidence is currently insufficient to determine the role of this variant in disease. Therefore, it has been classified as a Variant of Uncertain Significance. Advanced modeling of protein sequence and biophysical properties (such as structural, functional, and spatial information, amino acid conservation, physicochemical variation, residue mobility, and thermodynamic stability) performed at Invitae indicates that this missense variant is expected to disrupt SCN1A protein function. This variant has not been reported in the literature in individuals affected with SCN1A-related conditions.

NM_001165963.4(SCN1A):c.3767A>G (p.Asp1256Gly)

Genes: SCN1A (sodium voltage-gated channel alpha subunit 1; minus strand), LOC102724058 (uncharacterized LOC102724058; plus strand). Cytogenetic location: 2q24.3.
Variant type: single nucleotide variant.
Coding change: c.3767A>G on transcript NM_001165963.4 (MANE Select); coding-DNA position 3767, A replaced by G.
Protein change: p.Asp1256Gly; replaces aspartic acid 1256 with glycine.
Molecular consequence: missense variant. On other transcripts: non-coding transcript variant (1).
Genome position (GRCh38, 1-based): chr2:166,012,221, T>C on the plus strand (A>G on the coding strand, the complement: SCN1A is on the minus strand). VCF-style: chr2-166012221-T-C. GRCh37 (hg19) VCF-style: chr2-166868731-T-C.
Other names: c.3683A>G, p.Asp1228Gly (NM_001165964.3, NM_001353957.2, NM_001353958.2); c.3767A>G, p.Asp1256Gly (NM_001202435.3, NM_001353948.2); c.3734A>G, p.Asp1245Gly (NM_001353949.2, NM_001353950.2, NM_001353951.2 and 2 more transcripts); c.3731A>G, p.Asp1244Gly (NM_001353954.2, NM_001353955.2); c.3680A>G, p.Asp1227Gly (NM_001353960.2); c.1325A>G, p.Asp442Gly (NM_001353961.2); short protein forms D1227G, D442G, D1244G, D1245G, D1228G, D1256G.
Identifiers: ClinVar variation 1501106 (VCV001501106.7), dbSNP rs2105593110, ClinGen allele CA349054444.